The following is an entry in ClinVar:

ClinVar aggregate classification (germline): Uncertain significance. Review status: criteria provided, multiple submitters, no conflicts (2 of 4 stars). 2 submissions from 2 submitters: Uncertain significance (2). Last evaluated 2022-01-12.

Conditions:
Brachyolmia-amelogenesis imperfecta syndrome. Also called: Tooth agenesis, selective, 6; Dental anomalies and short stature; PLATYSPONDYLY WITH AMELOGENESIS IMPERFECTA. Identifiers: Orphanet 2899, MedGen C1832594, MONDO:0011018, OMIM 601216. Disease mechanism: loss of function.
Inborn genetic diseases. Identifiers: MedGen C0950123, MeSH D030342.

Allele frequency attached by ClinVar (database versions not stated): gnomAD exomes below 0.00001; TOPMed below 0.00001.
gnomAD v4.1: 1 of 1,560,354 alleles (0.000064%); highest among the groups gnomAD compares: Non-Finnish European, 0.000087%; no homozygotes.

Submissions (2):

Ambry Genetics
Classification: Uncertain significance for Inborn genetic diseases. Last evaluated: 2022-01-12. Review status: criteria provided, single submitter. Criteria: Ambry Variant Classification Scheme 2023. Collection method: clinical testing. Allele origin: germline.
Comment: The p.E1215G variant (also known as c.3644A>G), located in coding exon 27 of the LTBP3 gene, results from an A to G substitution at nucleotide position 3644. The glutamic acid at codon 1215 is replaced by glycine, an amino acid with similar properties. This amino acid position is conserved. In addition, the in silico prediction for this alteration is inconclusive. Since supporting evidence is limited at this time, the clinical significance of this alteration remains unclear.

Labcorp Genetics (formerly Invitae), Labcorp
Classification: Uncertain significance for Brachyolmia-amelogenesis imperfecta syndrome. Last evaluated: 2021-11-22. Review status: criteria provided, single submitter. Criteria: Invitae Variant Classification Sherloc (09022015). Collection method: clinical testing. Allele origin: germline.
Comment: This sequence change replaces glutamic acid, which is acidic and polar, with glycine, which is neutral and non-polar, at codon 1215 of the LTBP3 protein (p.Glu1215Gly). This variant is not present in population databases (gnomAD no frequency). This variant has not been reported in the literature in individuals affected with LTBP3-related conditions. Algorithms developed to predict the effect of missense changes on protein structure and function are either unavailable or do not agree on the potential impact of this missense change (SIFT: "Deleterious"; PolyPhen-2: "Benign"; Align-GVGD: "Class C65"). In summary, the available evidence is currently insufficient to determine the role of this variant in disease. Therefore, it has been classified as a Variant of Uncertain Significance.

NM_001130144.3(LTBP3):c.3644A>G (p.Glu1215Gly)

Gene: LTBP3 (latent transforming growth factor beta binding protein 3; minus strand). Cytogenetic location: 11q13.1.
Variant type: single nucleotide variant.
Coding change: c.3644A>G on transcript NM_001130144.3 (MANE Select); coding-DNA position 3644, A replaced by G.
Protein change: p.Glu1215Gly; replaces glutamic acid 1215 with glycine.
Molecular consequence: missense variant.
Genome position (GRCh38, 1-based): chr11:65,539,444, T>C on the plus strand (A>G on the coding strand, the complement: LTBP3 is on the minus strand). VCF-style: chr11-65539444-T-C. GRCh37 (hg19) VCF-style: chr11-65306915-T-C.
Other names: c.3152A>G, p.Glu1051Gly (NM_001164266.1); c.3503A>G, p.Glu1168Gly (NM_021070.4); short protein forms E1215G, E1168G, E1051G.
Identifiers: ClinVar variation 1505147 (VCV001505147.8), dbSNP rs1855958309, ClinGen allele CA381266415.
Genomic context (GRCh38, chr11:65,539,444, plus strand): 5'-GCGCCGCCCGGCCGCGGCACGCAGCGGCCACTCACGCAGCGACACTCGTCTGAATCCTCC[T>C]CTGAACTGTCCTCATCTGCGTGGCCCGGAACAATATGGACTTCAACACTGAGCCCCGGCC-3'
Protein context (NP_001123616.1, residues 1205-1225): GKPPRDEDSS[Glu1215Gly]EDSDECRCVS